The following is an entry in ClinVar:

ClinVar aggregate classification (germline): Likely pathogenic (1 of 4 stars; one submission).

Conditions:
Autosomal recessive limb-girdle muscular dystrophy type 2J (LGMDR10). Also called: Limb-girdle muscular dystrophy, type 2J; MUSCULAR DYSTROPHY, LIMB-GIRDLE, AUTOSOMAL RECESSIVE 10. Identifiers: Orphanet 140922, MedGen C1837342, MONDO:0012127, OMIM 608807.
Dilated cardiomyopathy 1G (CMD1G). Identifiers: Orphanet 154, MedGen C1858763, MONDO:0011400, OMIM 604145.

Submission:

Labcorp Genetics (formerly Invitae), Labcorp
Classification: Likely pathogenic for Dilated cardiomyopathy 1G; Autosomal recessive limb-girdle muscular dystrophy type 2J. Last evaluated: 2024-02-16. Review status: criteria provided, single submitter. Criteria: Invitae Variant Classification Sherloc (09022015). Collection method: clinical testing. Allele origin: germline.
Comment: This sequence change creates a premature translational stop signal (p.Val26678Glufs*4) in the TTN gene. While this is not anticipated to result in nonsense mediated decay, it is expected to create a truncated TTN protein. This variant is not present in population databases (gnomAD no frequency). This variant has not been reported in the literature in individuals affected with TTN-related conditions. This variant is located in the A band of TTN (PMID: 25589632). Truncating variants in this region are significantly overrepresented in patients affected with dilated cardiomyopathy (PMID: 25589632). Truncating variants in this region have also been reported in individuals affected with autosomal recessive centronuclear myopathy (PMID: 23975875). In summary, the currently available evidence indicates that the variant is pathogenic, but additional data are needed to prove that conclusively. Therefore, this variant has been classified as Likely Pathogenic.

Literature cited by the submitters: PubMed 25589632; PubMed 23975875.

NM_001267550.2(TTN):c.80033_80034del (p.Val26678fs)

Genes: TTN (titin; minus strand), TTN-AS1 (TTN antisense RNA 1; plus strand). Cytogenetic location: 2q31.2.
Variant type: Microsatellite.
Coding change: c.80033_80034del on transcript NM_001267550.2 (MANE Select); coding-DNA positions 80033 to 80034, 2 bases deleted (TG; older notation c.80033_80034delTG).
Protein change: p.Val26678fs; shifts the reading frame from valine 26678.
Molecular consequence: frameshift variant.
Genome position (GRCh38, 1-based): chr2:178,566,098-178,566,099, CA deleted on the plus strand (TG on the coding strand, the reverse complement: TTN is on the minus strand); deleting any 2 consecutive bases within chr2:178,566,098-178,566,101 gives the same sequence; the c. name uses the placement nearest the transcript's 3' end. VCF-style (leftmost placement, unchanged base first): chr2-178566097-TCA-T. GRCh37 (hg19) VCF-style: chr2-179430824-TCA-T.
Other names: c.75110_75111del, p.Val25037fs (NM_001256850.1); c.52838_52839del, p.Val17613fs (NM_003319.4); c.72329_72330del, p.Val24110fs (NM_133378.4); c.53213_53214del, p.Val17738fs (NM_133432.3); c.53414_53415del, p.Val17805fs (NM_133437.4); short protein forms V17613fs, V17738fs, V17805fs, V24110fs, V25037fs, V26678fs.
Identifiers: ClinVar variation 3754714 (VCV003754714.2).
Genomic context (GRCh38, chr2:178,566,097, plus strand): 5'-AATCTTTTCTCACTTCTTTGACTGCCAAATTCTGTGGTGGTCCTGGAGTGTCAAGAACTT[TCA>T]CAGTTACAAAAGCAGACTTTGATCCACTGCTGTTTTCCAACTTAAGAATGTATTTTCCAG-3'